The following is an entry in ClinVar:

NM_001384125.1(BLTP1):c.12354G>A (p.Ser4118=)

Gene: BLTP1 (bridge-like lipid transfer protein family member 1; plus strand). Cytogenetic location: 4q27.
Variant type: single nucleotide variant.
Coding change: c.12354G>A on transcript NM_001384125.1 (MANE Select); coding-DNA position 12354, G replaced by A.
Protein change: p.Ser4118=; no amino-acid change (serine 4118 retained).
Molecular consequence: synonymous variant.
Genome position (GRCh38, 1-based): chr4:122,336,960, G>A. VCF-style: chr4-122336960-G-A. GRCh37 (hg19) VCF-style: chr4-123258115-G-A.
Other names: c.12090G>A, p.Ser4030= (NM_015312.4); c.12090G>A (NM_015312.3).
Identifiers: ClinVar variation 2655068 (VCV002655068.26), dbSNP rs201672584, ClinGen allele CA3067962.
Genomic context (GRCh38, chr4:122,336,960, plus strand): 5'-AGATATGGGACATTTTGAAATACCAGATCCTATGGAAGAATCAACAACATCACTAGTGTC[G>A]TCTTCAACATCTGCTTACTCTTCCTTCCCTGTAGATGTTGTGGTTTATGTACGAGTTCAG-3'
Protein context (NP_001371054.1, residues 4108-4128): PMEESTTSLV[Ser4118=]SSTSAYSSFP

ClinVar aggregate classification (germline): Likely benign. Review status: criteria provided, multiple submitters, no conflicts (2 of 4 stars). 3 submissions from 3 submitters: Likely benign (2). 1 of the submissions does not count toward it. Last evaluated 2024-11-25.

Conditions:
BLTP1-related disorder. Also called: BLTP1-related condition.

Allele frequency attached by ClinVar (database versions not stated): 1000 Genomes Project 30x 0.00094; 1000 Genomes Project 0.00100; TOPMed 0.00155; ESP Exome Variant Server 0.00183; gnomAD 0.00192; gnomAD exomes 0.00220; ExAC 0.00237.
gnomAD v4.1: 3,473 of 1,611,842 alleles (0.22%); highest among the groups gnomAD compares: Non-Finnish European, 0.24%; 5 homozygotes.

Submissions (3):

Blueprint Genetics
Classification: Likely benign. Last evaluated: 2024-11-25. Review status: criteria provided, single submitter. Criteria: ACMG Guidelines, 2015. Collection method: clinical testing. Allele origin: germline.

CeGaT Center for Human Genetics Tuebingen
Classification: Likely benign. Last evaluated: 2024-06-01. Review status: criteria provided, single submitter. Criteria: CeGaT Center For Human Genetics Tuebingen Variant Classification Criteria Version 2. Collection method: clinical testing. Allele origin: germline. Affected: yes. Observed: 3 variant alleles.
Comment: BLTP1: BP4, BP7

PreventionGenetics, part of Exact Sciences
Classification: Likely benign for BLTP1-related condition. Last evaluated: 2019-07-15. Review status: no assertion criteria provided. Collection method: clinical testing. Allele origin: germline. Not counted in ClinVar's aggregate classification.
Comment: This variant is classified as likely benign based on ACMG/AMP sequence variant interpretation guidelines (Richards et al. 2015 PMID: 25741868, with internal and published modifications).